The following is an entry in ClinVar:

NM_001035.3(RYR2):c.10361G>T (p.Arg3454Leu)

Gene: RYR2 (ryanodine receptor 2; plus strand). Cytogenetic location: 1q43.
Variant type: single nucleotide variant.
Coding change: c.10361G>T on transcript NM_001035.3 (MANE Select); coding-DNA position 10361, G replaced by T.
Protein change: p.Arg3454Leu; replaces arginine 3454 with leucine.
Molecular consequence: missense variant.
Genome position (GRCh38, 1-based): chr1:237,717,235, G>T. VCF-style: chr1-237717235-G-T. GRCh37 (hg19) VCF-style: chr1-237880535-G-T.
Other names: short protein forms R3454L.
Identifiers: ClinVar variation 3073415 (VCV003073415.1), dbSNP rs1229045575, ClinGen allele CA345414281.

ClinVar aggregate classification (germline): Uncertain significance (1 of 4 stars; one submission).

Conditions:
Catecholaminergic polymorphic ventricular tachycardia (CVPT). Also called: Catecholamine-induced polymorphic ventricular tachycardia. Identifiers: Orphanet 3286, MedGen C5574922, MONDO:0017990.

gnomAD v4.1: 3 of 1,613,542 alleles (0.00019%); highest among the groups gnomAD compares: Non-Finnish European, 0.00025%; no homozygotes.

Submission:

All of Us Research Program, National Institutes of Health
Classification: Uncertain significance for Catecholaminergic polymorphic ventricular tachycardia. Last evaluated: 2023-09-17. Review status: criteria provided, single submitter. Criteria: ACMG Guidelines, 2015. Collection method: clinical testing. Allele origin: germline. Inheritance: Autosomal dominant inheritance. Observed: 1 variant allele, 1 heterozygote.
Comment: This missense variant replaces arginine with leucine at codon 3454 of the RYR2 protein. Computational prediction suggests that this variant may have deleterious impact on protein structure and function (internally defined REVEL score threshold >= 0.7, PMID: 27666373). To our knowledge, functional studies have not been reported for this variant. This variant has not been reported in individuals affected with RYR2-related disorders in the literature. This variant has been identified in 1/248576 chromosomes in the general population by the Genome Aggregation Database (gnomAD). The available evidence is insufficient to determine the role of this variant in disease conclusively. Therefore, this variant is classified as a Variant of Uncertain Significance.

This study involves interpretation of variants in research participants for the purpose of population health screening. Participant phenotype was not available at the time of variant classification. Additional details can be found in publication PMID: 35346344, PMCID: PMC8962531